The following is an entry in ClinVar:

ClinVar aggregate classification (germline): Likely benign. Review status: reviewed by expert panel (3 of 4 stars). 7 submissions from 7 submitters: Likely benign (1). 6 of the submissions do not count toward it. Last evaluated 2017-06-29.

Conditions:
Hereditary cancer-predisposing syndrome. Also called: Hereditary Cancer Syndrome; Hereditary neoplastic syndrome; Tumor predisposition; Neoplastic Syndromes, Hereditary. Identifiers: Orphanet 140162, MedGen C0027672, MeSH D009386, MONDO:0015356.
Hereditary breast ovarian cancer syndrome. Also called: Hereditary breast and ovarian cancer syndrome; Hereditary breast and ovarian cancer syndrome (HBOC); BRCA1- and BRCA2-Associated Hereditary Breast and Ovarian Cancer; Breast and ovarian cancer; Hereditary breast and ovarian cancer; Hereditary breast and/or ovarian cancer syndrome. Identifiers: Orphanet 145, MedGen C0677776, MeSH D061325, MONDO:0003582. Disease mechanism: loss of function.
Breast-ovarian cancer, familial, susceptibility to, 1 (BROVCA1). Also called: OVARIAN CANCER, SUSCEPTIBILITY TO; BRCA1 Hereditary Breast and Ovarian Cancer. Identifiers: Orphanet 145, MedGen C2676676, MONDO:0011450, OMIM 604370. Disease mechanism: loss of function.

Allele frequency attached by ClinVar (database versions not stated): gnomAD 0.00001; TOPMed 0.00003.
gnomAD v4.1: 3 of 1,614,000 alleles (0.00019%); highest among the groups gnomAD compares: Admixed American, 0.0017%; no homozygotes.

Submissions (7):

Evidence-based Network for the Interpretation of Germline Mutant Alleles (ENIGMA)
Classification: Likely benign for Breast-ovarian cancer, familial, susceptibility to, 1. Last evaluated: 2017-06-29. Review status: reviewed by expert panel. Criteria: ENIGMA BRCA1/2 Classification Criteria (2017-06-29). Collection method: curation. Allele origin: germline.
Comment: Synonymous substitution variant, with low bioinformatic likelihood to result in a splicing aberration (Splicing prior probability 0.02).

Labcorp Genetics (formerly Invitae), Labcorp
Classification: Likely benign for Hereditary breast ovarian cancer syndrome. Last evaluated: 2026-01-09. Review status: criteria provided, single submitter. Criteria: Invitae Variant Classification Sherloc (09022015). Collection method: clinical testing. Allele origin: germline. Not counted in ClinVar's aggregate classification.

All of Us Research Program, National Institutes of Health
Classification: Likely benign for Breast-ovarian cancer, familial, susceptibility to, 1. Last evaluated: 2024-01-11. Review status: criteria provided, single submitter. Criteria: ACMG Guidelines, 2015. Collection method: clinical testing. Allele origin: germline. Inheritance: Autosomal dominant inheritance. Observed: 2 variant alleles, 2 heterozygotes. Not counted in ClinVar's aggregate classification.
Comment: This study involves interpretation of variants in research participants for the purpose of population health screening. Participant phenotype was not available at the time of variant classification. Additional details can be found in publication PMID: 35346344, PMCID: PMC8962531

Women's Health and Genetics/Laboratory Corporation of America, LabCorp
Classification: Likely benign. Last evaluated: 2023-09-09. Review status: criteria provided, single submitter. Criteria: LabCorp Variant Classification Summary - May 2015. Collection method: clinical testing. Allele origin: germline. Not counted in ClinVar's aggregate classification.

Quest Diagnostics Nichols Institute San Juan Capistrano
Classification: Likely benign. Last evaluated: 2023-01-03. Review status: criteria provided, single submitter. Criteria: Quest Diagnostics criteria. Collection method: clinical testing. Allele origin: unknown. Not counted in ClinVar's aggregate classification.

Color Diagnostics, LLC DBA Color Health
Classification: Likely benign for Hereditary cancer-predisposing syndrome. Last evaluated: 2021-01-11. Review status: criteria provided, single submitter. Criteria: ACMG Guidelines, 2015. Collection method: clinical testing. Allele origin: germline. Not counted in ClinVar's aggregate classification.

Ambry Genetics
Classification: Likely benign for Hereditary cancer-predisposing syndrome. Last evaluated: 2017-12-04. Review status: criteria provided, single submitter. Criteria: Ambry Variant Classification Scheme 2023. Collection method: clinical testing. Allele origin: germline. Not counted in ClinVar's aggregate classification.

NM_007294.4(BRCA1):c.1842G>A (p.Lys614=)

Gene: BRCA1 (BRCA1 DNA repair associated; minus strand). Cytogenetic location: 17q21.31.
Variant type: single nucleotide variant.
Coding change: c.1842G>A on transcript NM_007294.4 (MANE Select); coding-DNA position 1842, G replaced by A.
Protein change: p.Lys614=; no amino-acid change (lysine 614 retained).
Molecular consequence: synonymous variant. On other transcripts: intron variant (137).
Genome position (GRCh38, 1-based): chr17:43,093,689, C>T on the plus strand (G>A on the coding strand, the complement: BRCA1 is on the minus strand). VCF-style: chr17-43093689-C-T. GRCh37 (hg19) VCF-style: chr17-41245706-C-T.
Other names: c.1629G>A, p.Lys543= (NM_001407916.1, NM_001407917.1, NM_001407918.1 and 9 more transcripts); c.1719G>A, p.Lys573= (NM_001407919.1, NM_001407937.1, NM_001407938.1 and 19 more transcripts); c.1578G>A, p.Lys526= (NM_001407920.1, NM_001407921.1, NM_001407922.1 and 9 more transcripts); c.1575G>A, p.Lys525= (NM_001407930.1, NM_001407931.1, NM_001407932.1 and 2 more transcripts); c.1716G>A, p.Lys572= (NM_001407940.1, NM_001407941.1, NM_001407649.1 and 11 more transcripts); c.1701G>A, p.Lys567= (NM_001407942.1, NM_001407944.1, NM_001407945.1 and 29 more transcripts); c.1698G>A, p.Lys566= (NM_001407943.1, NM_001407964.1, NM_001407740.1 and 20 more transcripts); c.1509G>A, p.Lys503= (NM_001407946.1, NM_001407947.1, NM_001407948.1 and 6 more transcripts); and 40 more.
Identifiers: ClinVar variation 184574 (VCV000184574.25), dbSNP rs760109939, ClinGen allele CA001200.